The following is an entry in ClinVar:

NM_002386.4(MC1R):c.389C>A (p.Ser130Tyr)

Gene: MC1R (melanocortin 1 receptor; plus strand). Cytogenetic location: 16q24.3.
Variant type: single nucleotide variant.
Coding change: c.389C>A on transcript NM_002386.4 (MANE Select); coding-DNA position 389, C replaced by A.
Protein change: p.Ser130Tyr; replaces serine 130 with tyrosine.
Molecular consequence: missense variant.
Genome position (GRCh38, 1-based): chr16:89,919,647, C>A. VCF-style: chr16-89919647-C-A. GRCh37 (hg19) VCF-style: chr16-89986055-C-A.
Other names: short protein forms S130Y.
Identifiers: ClinVar variation 4550313 (VCV004550313.1).
Genomic context (GRCh38, chr16:89,919,647, plus strand): 5'-CTGCGGTGCTGCAGCAGCTGGACAATGTCATTGACGTGATCACCTGCAGCTCCATGCTGT[C>A]CAGCCTCTGCTTCCTGGGCGCCATCGCCGTGGACCGCTACATCTCCATCTTCTACGCACT-3'
Protein context (NP_002377.4, residues 120-140): IDVITCSSML[Ser130Tyr]SLCFLGAIAV

ClinVar aggregate classification (germline): Uncertain significance (1 of 4 stars; one submission).

Submission:

Ambry Genetics
Classification: Uncertain significance. Last evaluated: 2025-11-13. Review status: criteria provided, single submitter. Criteria: Ambry Variant Classification Scheme 2023. Collection method: clinical testing. Allele origin: germline.
Comment: The p.S130Y variant (also known as c.389C>A), located in coding exon 1 of the MC1R gene, results from a C to A substitution at nucleotide position 389. The serine at codon 130 is replaced by tyrosine, an amino acid with dissimilar properties. This amino acid position is conserved. In addition, the in silico prediction for this alteration is inconclusive. Based on the available evidence, the clinical significance of this variant remains unclear.